The following is an entry in ClinVar:

NM_001077268.2(ZFYVE19):c.122_123insGGGGCAGGGC (p.Glu46fs)

Gene: ZFYVE19 (zinc finger FYVE-type containing 19; plus strand). Cytogenetic location: 15q15.1.
Variant type: Insertion.
Coding change: c.122_123insGGGGCAGGGC on transcript NM_001077268.2 (MANE Select); coding-DNA positions 122 to 123, GGGGCAGGGC inserted.
Protein change: p.Glu46fs; shifts the reading frame from glutamic acid 46.
Molecular consequence: frameshift variant. On other transcripts: intron variant (2).
Genome position: GRCh38 VCF-style: chr15-40807707-G-GGGGCGGGGCA. GRCh37 (hg19) VCF-style: chr15-41099905-G-GGGGCGGGGCA.
Other names: c.122_123insGGGGCAGGGC, p.Glu46fs (NM_001258420.2); c.-247+40_-247+41insGGGGCAGGGC (NM_001258421.2); c.125+298_125+299insGGGGCAGGGC (NM_032850.5); short protein forms E46fs.
Identifiers: ClinVar variation 4845728 (VCV004845728.1).
Genomic context (GRCh38, chr15:40,807,707, plus strand): 5'-AGAGCGTCCGGATTCCCTGCTCTAGGTCGCGGCGGGACAGTGCCAGTGGGCGTGTGGGGC[G>GGGGCGGGGCA]GGGCAGGGCAGGGAAGGGAAGGGCGGAGCTGGGGTGAGGGTCCAAGGGGCCCAGGACTTG-3'

ClinVar aggregate classification (germline): Likely pathogenic (1 of 4 stars; one submission).

Conditions:
Cholestasis, progressive familial intrahepatic, 9 (PFIC9). Identifiers: MedGen C5676973, MONDO:0030800, OMIM 619849.

Submission:

First Genomix Gene Laboratory, Genetic Diagnostics Department
Classification: Likely pathogenic for Cholestasis, progressive familial intrahepatic, 9. Last evaluated: 2025-01-21. Review status: criteria provided, single submitter. Criteria: ACMG Guidelines, 2015. Collection method: clinical testing. Allele origin: germline. Inheritance: Autosomal recessive inheritance. Affected: no. Observed: 1 variant allele.